The following is an entry in ClinVar:

ClinVar aggregate classification (germline): Likely benign. Review status: criteria provided, multiple submitters, no conflicts (2 of 4 stars). 2 submissions from 2 submitters: Likely benign (2). Last evaluated 2025-10-09.

Conditions:
Autosomal recessive limb-girdle muscular dystrophy type R18 (LGMDR18). Also called: MUSCULAR DYSTROPHY, LIMB-GIRDLE, AUTOSOMAL RECESSIVE 18; Autosomal recessive limb-girdle muscular dystrophy type 2S; Limb-girdle muscular dystrophy, type 2S. Identifiers: Orphanet 369840, MedGen C4517996, MONDO:0014144, OMIM 615356.

Allele frequency attached by ClinVar (database versions not stated): gnomAD exomes 0.00001 and 0.00002; ExAC 0.00003; gnomAD 0.00011; TOPMed 0.00011; 1000 Genomes Project 0.00020; ESP Exome Variant Server 0.00023; 1000 Genomes Project 30x 0.00031.
gnomAD v4.1: 27 of 1,613,480 alleles (0.0017%); highest among the groups gnomAD compares: African/African-American, 0.035%; no homozygotes.

Submissions (2):

Labcorp Genetics (formerly Invitae), Labcorp
Classification: Likely benign for Autosomal recessive limb-girdle muscular dystrophy type R18. Last evaluated: 2025-10-09. Review status: criteria provided, single submitter. Criteria: Invitae Variant Classification Sherloc (09022015). Collection method: clinical testing. Allele origin: germline.

Mayo Clinic Laboratories, Mayo Clinic
Classification: Likely benign. Last evaluated: 2025-07-17. Review status: criteria provided, single submitter. Criteria: ACMG Guidelines, 2015. Collection method: clinical testing. Allele origin: germline. Observed: 1 variant allele.
Comment: BP4, BP7

NM_021942.6(TRAPPC11):c.2844G>A (p.Val948=)

Gene: TRAPPC11 (trafficking protein particle complex subunit 11; plus strand). Cytogenetic location: 4q35.1.
Variant type: single nucleotide variant.
Coding change: c.2844G>A on transcript NM_021942.6 (MANE Select); coding-DNA position 2844, G replaced by A.
Protein change: p.Val948=; no amino-acid change (valine 948 retained).
Molecular consequence: synonymous variant.
Genome position (GRCh38, 1-based): chr4:183,697,828, G>A. VCF-style: chr4-183697828-G-A. GRCh37 (hg19) VCF-style: chr4-184618981-G-A.
Other names: p.Val948=; c.2844G>A, p.Val948= (NM_199053.3).
Identifiers: ClinVar variation 726322 (VCV000726322.12), dbSNP rs151179289, ClinGen allele CA3152329.
Genomic context (GRCh38, chr4:183,697,828, plus strand): 5'-TTCCAGTGAGCTCCAGCTTGCTCCATCCATGACCACAGTGGACCAGCTCGAGTCTCAAGT[G>A]GACAATGGTGAGTCTGGTTCATTCCCACTTAAAGACCAGGAGAATTGTGCGCGCGTGTGT-3'
Protein context (NP_068761.4, residues 938-958): MTTVDQLESQ[Val948=]DNVILQTGES